The following is an entry in ClinVar:

ClinVar aggregate classification (germline): Uncertain significance (1 of 4 stars; one submission).

Allele frequency attached by ClinVar (database versions not stated): gnomAD 0.00001.
gnomAD v4.1: 4 of 1,613,908 alleles (0.00025%); highest among the groups gnomAD compares: East Asian, 0.0022%; no homozygotes.

Submission:

Labcorp Genetics (formerly Invitae), Labcorp
Classification: Uncertain significance. Last evaluated: 2025-02-15. Review status: criteria provided, single submitter. Criteria: Invitae Variant Classification Sherloc (09022015). Collection method: clinical testing. Allele origin: germline.
Comment: This sequence change replaces serine, which is neutral and polar, with asparagine, which is neutral and polar, at codon 1449 of the VCAN protein (p.Ser1449Asn). This variant is present in population databases (no rsID available, gnomAD 0.06%). This variant has not been reported in the literature in individuals affected with VCAN-related conditions. ClinVar contains an entry for this variant (Variation ID: 943518). An algorithm developed to predict the effect of missense changes on protein structure and function outputs the following: PolyPhen-2: "Benign". The asparagine amino acid residue is found in multiple mammalian species, which suggests that this missense change does not adversely affect protein function. In summary, the available evidence is currently insufficient to determine the role of this variant in disease. Therefore, it has been classified as a Variant of Uncertain Significance.

NM_004385.5(VCAN):c.4346G>A (p.Ser1449Asn)

Genes: VCAN (versican; plus strand), VCAN-AS1 (VCAN antisense RNA 1; minus strand). Cytogenetic location: 5q14.3.
Variant type: single nucleotide variant.
Coding change: c.4346G>A on transcript NM_004385.5 (MANE Select); coding-DNA position 4346, G replaced by A.
Protein change: p.Ser1449Asn; replaces serine 1449 with asparagine.
Molecular consequence: missense variant. On other transcripts: intron variant (2).
Genome position (GRCh38, 1-based): chr5:83,537,349, G>A. VCF-style: chr5-83537349-G-A. GRCh37 (hg19) VCF-style: chr5-82833168-G-A.
Other names: c.1385G>A, p.Ser462Asn (NM_001164097.2); c.4004-8188G>A (NM_001164098.2); c.1043-8188G>A (NM_001126336.3); short protein forms S1449N, S462N.
Identifiers: ClinVar variation 943518 (VCV000943518.9), dbSNP rs868317793, ClinGen allele CA360308056.
Genomic context (GRCh38, chr5:83,537,349, plus strand): 5'-CTAGGCGTGGCCAGTTTGAAAGTGTTGCACCTTCTCAGAATTTCTCGGACAGCTCTGAAA[G>A]TGATACTCATCCATTTGTAATAGCCAAAACGGAATTGTCTACTGCTGTGCAACCTAATGA-3'
Protein context (NP_004376.2, residues 1439-1459): PSQNFSDSSE[Ser1449Asn]DTHPFVIAKT